The following is an entry in ClinVar:

NM_000088.4(COL1A1):c.1376C>A (p.Pro459His)

Gene: COL1A1 (collagen type I alpha 1 chain; minus strand). Cytogenetic location: 17q21.33.
Variant type: single nucleotide variant.
Coding change: c.1376C>A on transcript NM_000088.4 (MANE Select); coding-DNA position 1376, C replaced by A.
Protein change: p.Pro459His; replaces proline 459 with histidine.
Molecular consequence: missense variant.
Genome position (GRCh38, 1-based): chr17:50,194,806, G>T on the plus strand (C>A on the coding strand, the complement: COL1A1 is on the minus strand). VCF-style: chr17-50194806-G-T. GRCh37 (hg19) VCF-style: chr17-48272167-G-T.
Other names: short protein forms P459H.
Identifiers: ClinVar variation 3710766 (VCV003710766.2).

ClinVar aggregate classification (germline): Uncertain significance (1 of 4 stars; one submission).

Conditions:
Osteogenesis imperfecta type I (OI1). Also called: Lobstein's Disease; Lobstein disease; OI, TYPE I; OSTEOGENESIS IMPERFECTA TARDA; OSTEOGENESIS IMPERFECTA WITH BLUE SCLERAE; Osteogenesis imperfecta type 1. Identifiers: Orphanet 216796, Orphanet 666, MedGen C0023931, MONDO:0008146, OMIM 166200. Disease mechanism: loss of function.

gnomAD v4.1: 1 of 1,570,012 alleles (0.000064%); highest among the groups gnomAD compares: East Asian, 0.0024%; no homozygotes.

Submission:

Labcorp Genetics (formerly Invitae), Labcorp
Classification: Uncertain significance for Osteogenesis imperfecta type I. Last evaluated: 2024-07-19. Review status: criteria provided, single submitter. Criteria: Invitae Variant Classification Sherloc (09022015). Collection method: clinical testing. Allele origin: germline.
Comment: This sequence change replaces proline, which is neutral and non-polar, with histidine, which is basic and polar, at codon 459 of the COL1A1 protein (p.Pro459His). This variant is not present in population databases (gnomAD no frequency). This variant has not been reported in the literature in individuals affected with COL1A1-related conditions. Advanced modeling of protein sequence and biophysical properties (such as structural, functional, and spatial information, amino acid conservation, physicochemical variation, residue mobility, and thermodynamic stability) performed at Invitae indicates that this missense variant is expected to disrupt COL1A1 protein function with a positive predictive value of 95%. In summary, the available evidence is currently insufficient to determine the role of this variant in disease. Therefore, it has been classified as a Variant of Uncertain Significance.